The following is an entry in ClinVar:

ClinVar aggregate classification (germline): Uncertain significance (1 of 4 stars; one submission).

Conditions:
Autoimmune interstitial lung disease-arthritis syndrome. Also called: Autoinflammation and autoimmunity, systemic, with immune dysregulation. Identifiers: Orphanet 444092, MedGen C5975714, MONDO:0014629.

Submission:

Labcorp Genetics (formerly Invitae), Labcorp
Classification: Uncertain significance for Autoimmune interstitial lung disease-arthritis syndrome. Last evaluated: 2025-06-18. Review status: criteria provided, single submitter. Criteria: Invitae Variant Classification Sherloc (09022015). Collection method: clinical testing. Allele origin: germline.
Comment: This sequence change replaces methionine, which is neutral and non-polar, with threonine, which is neutral and polar, at codon 1101 of the COPA protein (p.Met1101Thr). This variant is present in population databases (no rsID available, gnomAD 0.003%). This variant has not been reported in the literature in individuals affected with COPA-related conditions. Invitae Evidence Modeling of protein sequence and biophysical properties (such as structural, functional, and spatial information, amino acid conservation, physicochemical variation, residue mobility, and thermodynamic stability) indicates that this missense variant is not expected to disrupt COPA protein function with a negative predictive value of 80%. In summary, the available evidence is currently insufficient to determine the role of this variant in disease. Therefore, it has been classified as a Variant of Uncertain Significance.

NM_004371.4(COPA):c.3302T>C (p.Met1101Thr)

Gene: COPA (coat protein complex I subunit alpha; minus strand). Cytogenetic location: 1q23.2.
Variant type: single nucleotide variant.
Coding change: c.3302T>C on transcript NM_004371.4 (MANE Select); coding-DNA position 3302, T replaced by C.
Protein change: p.Met1101Thr; replaces methionine 1101 with threonine.
Molecular consequence: missense variant.
Genome position (GRCh38, 1-based): chr1:160,291,453, A>G on the plus strand (T>C on the coding strand, the complement: COPA is on the minus strand). VCF-style: chr1-160291453-A-G. GRCh37 (hg19) VCF-style: chr1-160261243-A-G.
Other names: c.3329T>C, p.Met1110Thr (NM_001098398.2); short protein forms M1101T, M1110T.
Identifiers: ClinVar variation 4767953 (VCV004767953.1).